The following is an entry in ClinVar:

ClinVar aggregate classification (germline): Uncertain significance. Review status: criteria provided, multiple submitters, no conflicts (2 of 4 stars). 2 submissions from 2 submitters: Uncertain significance (2). Last evaluated 2025-05-19.

Conditions:
Renal cell carcinoma. Identifiers: Orphanet 217071, MedGen C0007134, MeSH D002292, MONDO:0005086, HP:0005584.
Hereditary cancer-predisposing syndrome. Also called: Neoplastic Syndromes, Hereditary; Hereditary neoplastic syndrome; Tumor predisposition; Hereditary Cancer Syndrome. Identifiers: Orphanet 140162, MedGen C0027672, MeSH D009386, MONDO:0015356.

Submissions (2):

Labcorp Genetics (formerly Invitae), Labcorp
Classification: Uncertain significance for Renal cell carcinoma. Last evaluated: 2025-05-19. Review status: criteria provided, single submitter. Criteria: Invitae Variant Classification Sherloc (09022015). Collection method: clinical testing. Allele origin: germline.
Comment: This sequence change replaces methionine, which is neutral and non-polar, with leucine, which is neutral and non-polar, at codon 294 of the MET protein (p.Met294Leu). This variant is not present in population databases (gnomAD no frequency). This variant has not been reported in the literature in individuals affected with MET-related conditions. ClinVar contains an entry for this variant (Variation ID: 2855676). Invitae Evidence Modeling of protein sequence and biophysical properties (such as structural, functional, and spatial information, amino acid conservation, physicochemical variation, residue mobility, and thermodynamic stability) indicates that this missense variant is not expected to disrupt MET protein function with a negative predictive value of 80%. In summary, the available evidence is currently insufficient to determine the role of this variant in disease. Therefore, it has been classified as a Variant of Uncertain Significance.

Ambry Genetics
Classification: Uncertain significance for Hereditary cancer-predisposing syndrome. Last evaluated: 2024-01-22. Review status: criteria provided, single submitter. Criteria: Ambry Variant Classification Scheme 2023. Collection method: clinical testing. Allele origin: germline.
Comment: The p.M294L variant (also known as c.880A>C), located in coding exon 1 of the MET gene, results from an A to C substitution at nucleotide position 880. The methionine at codon 294 is replaced by leucine, an amino acid with highly similar properties. This amino acid position is highly conserved in available vertebrate species. In addition, this alteration is predicted to be tolerated by in silico analysis. Based on the available evidence, the clinical significance of this alteration remains unclear.

NM_000245.4(MET):c.880A>C (p.Met294Leu)

Gene: MET (MET proto-oncogene, receptor tyrosine kinase; plus strand). Cytogenetic location: 7q31.2.
Variant type: single nucleotide variant.
Coding change: c.880A>C on transcript NM_000245.4 (MANE Select); coding-DNA position 880, A replaced by C.
Protein change: p.Met294Leu; replaces methionine 294 with leucine.
Molecular consequence: missense variant. On other transcripts: intron variant (1).
Genome position (GRCh38, 1-based): chr7:116,699,964, A>C. VCF-style: chr7-116699964-A-C. GRCh37 (hg19) VCF-style: chr7-116340018-A-C.
Other names: c.880A>C, p.Met294Leu (NM_001127500.3, NM_001324401.3); c.-91+27387A>C (NM_001324402.2); short protein forms M294L.
Identifiers: ClinVar variation 2855676 (VCV002855676.4), dbSNP rs2116600114, ClinGen allele CA368970059.